The following is an entry in ClinVar:

ClinVar aggregate classification (germline): Conflicting classifications of pathogenicity. Review status: criteria provided, conflicting classifications (1 of 4 stars). 4 submissions from 4 submitters: Uncertain significance (1); Likely benign (2). 1 of the submissions does not count toward it. Last evaluated 2026-01-31.

Conditions:
LAMC2-related disorder. Also called: LAMC2-related condition.
Junctional epidermolysis bullosa. Identifiers: Orphanet 305, MedGen C0079301, MONDO:0017612.

Allele frequency attached by ClinVar (database versions not stated): 1000 Genomes Project 30x 0.00062; 1000 Genomes Project 0.00080; gnomAD exomes 0.00101; ExAC 0.00102; gnomAD 0.00106 and 0.00108; TOPMed 0.00119; ESP Exome Variant Server 0.00123.
gnomAD v4.1: 1,908 of 1,614,230 alleles (0.12%); highest among the groups gnomAD compares: Admixed American, 0.19%; 2 homozygotes.

Submissions (4):

Labcorp Genetics (formerly Invitae), Labcorp
Classification: Likely benign. Last evaluated: 2026-01-31. Review status: criteria provided, single submitter. Criteria: Invitae Variant Classification Sherloc (09022015). Collection method: clinical testing. Allele origin: germline.

Blueprint Genetics
Classification: Likely benign. Last evaluated: 2024-11-25. Review status: criteria provided, single submitter. Criteria: ACMG Guidelines, 2015. Collection method: clinical testing. Allele origin: germline.

Illumina Laboratory Services, Illumina
Classification: Uncertain significance for Junctional epidermolysis bullosa. Last evaluated: 2018-01-12. Review status: criteria provided, single submitter. Criteria: ICSL Variant Classification Criteria 13 December 2019. Collection method: clinical testing. Allele origin: germline.

PreventionGenetics, part of Exact Sciences
Classification: Likely benign for LAMC2-related condition. Last evaluated: 2023-12-18. Review status: no assertion criteria provided. Collection method: clinical testing. Allele origin: germline. Not counted in ClinVar's aggregate classification.
Comment: This variant is classified as likely benign based on ACMG/AMP sequence variant interpretation guidelines (Richards et al. 2015 PMID: 25741868, with internal and published modifications).

NM_005562.3(LAMC2):c.2387C>T (p.Ala796Val)

Gene: LAMC2 (laminin subunit gamma 2; plus strand). Cytogenetic location: 1q25.3.
Variant type: single nucleotide variant.
Coding change: c.2387C>T on transcript NM_005562.3 (MANE Select); coding-DNA position 2387, C replaced by T.
Protein change: p.Ala796Val; replaces alanine 796 with valine.
Molecular consequence: missense variant.
Genome position (GRCh38, 1-based): chr1:183,235,661, C>T. VCF-style: chr1-183235661-C-T. GRCh37 (hg19) VCF-style: chr1-183204796-C-T.
Other names: c.2387C>T, p.Ala796Val (NM_018891.3); short protein forms A796V.
Identifiers: ClinVar variation 294008 (VCV000294008.17), dbSNP rs139718245, ClinGen allele CA1282901.